The following is an entry in ClinVar:

ClinVar aggregate classification (germline): Uncertain significance (1 of 4 stars; one submission).

Conditions:
Rubinstein-Taybi syndrome due to EP300 haploinsufficiency. Also called: EP300-Related Rubinstein-Taybi Syndrome; RUBINSTEIN-TAYBI SYNDROME 2. Identifiers: Orphanet 353284, Orphanet 783, MedGen C3150941, MONDO:0013364, OMIM 613684.

gnomAD v4.1: 1 of 1,613,912 alleles (0.000062%); no homozygotes.

Submission:

Labcorp Genetics (formerly Invitae), Labcorp
Classification: Uncertain significance for Rubinstein-Taybi syndrome due to EP300 haploinsufficiency. Last evaluated: 2024-08-03. Review status: criteria provided, single submitter. Criteria: Invitae Variant Classification Sherloc (09022015). Collection method: clinical testing. Allele origin: germline.
Comment: This sequence change replaces lysine, which is basic and polar, with arginine, which is basic and polar, at codon 418 of the EP300 protein (p.Lys418Arg). This variant is not present in population databases (gnomAD no frequency). This variant has not been reported in the literature in individuals affected with EP300-related conditions. Advanced modeling of protein sequence and biophysical properties (such as structural, functional, and spatial information, amino acid conservation, physicochemical variation, residue mobility, and thermodynamic stability) performed at Invitae indicates that this missense variant is not expected to disrupt EP300 protein function with a negative predictive value of 95%. In summary, the available evidence is currently insufficient to determine the role of this variant in disease. Therefore, it has been classified as a Variant of Uncertain Significance.

NM_001429.4(EP300):c.1253A>G (p.Lys418Arg)

Gene: EP300 (EP300 lysine acetyltransferase; plus strand). Cytogenetic location: 22q13.2.
Variant type: single nucleotide variant.
Coding change: c.1253A>G on transcript NM_001429.4 (MANE Select); coding-DNA position 1253, A replaced by G.
Protein change: p.Lys418Arg; replaces lysine 418 with arginine.
Molecular consequence: missense variant.
Genome position (GRCh38, 1-based): chr22:41,129,974, A>G. VCF-style: chr22-41129974-A-G. GRCh37 (hg19) VCF-style: chr22-41525978-A-G.
Other names: c.1253A>G, p.Lys418Arg (NM_001362843.2); short protein forms K418R.
Identifiers: ClinVar variation 3678613 (VCV003678613.2).